The following is an entry in ClinVar:

NM_001378615.1(CC2D2A):c.1359+1G>C

Genes: CC2D2A (coiled-coil and C2 domain containing 2A; plus strand), FBXL5 (F-box and leucine rich repeat protein 5; minus strand). Cytogenetic location: 4p15.32.
Variant type: single nucleotide variant.
Coding change: c.1359+1G>C on transcript NM_001378615.1 (MANE Select); the canonical splice donor site of the intron after coding-DNA position 1359, G replaced by C.
Molecular consequence: splice donor variant.
Genome position (GRCh38, 1-based): chr4:15,527,657, G>C. VCF-style: chr4-15527657-G-C. GRCh37 (hg19) VCF-style: chr4-15529280-G-C.
Other names: c.1359+1G>C (NM_001080522.2); c.1212+1G>C (NM_001378617.1).
Identifiers: ClinVar variation 2921348 (VCV002921348.4), dbSNP rs1717586613, ClinGen allele CA356410569.

ClinVar aggregate classification (germline): Likely pathogenic. Review status: criteria provided, multiple submitters, no conflicts (2 of 4 stars). 2 submissions from 2 submitters: Likely pathogenic (2). Last evaluated 2024-05-17.

Conditions:
COACH syndrome 2. Identifiers: MedGen C5436837, MONDO:0030859, OMIM 619111.
Meckel syndrome, type 6. Identifiers: Orphanet 564, MedGen C2676790, MONDO:0012848, OMIM 612284.
Joubert syndrome 9 (JBTS9). Identifiers: Orphanet 2318, MedGen C2676788, MONDO:0012849, OMIM 612285.
Retinitis pigmentosa 93. Identifiers: MedGen C5676970, MONDO:0030797, OMIM 619845.
Joubert syndrome. Also called: JOUBERT-BOLTSHAUSER SYNDROME; Familial aplasia of the vermis. Identifiers: Orphanet 475, MedGen C5979921, MONDO:0018772.
Meckel-Gruber syndrome. Also called: DYSENCEPHALIA SPLANCHNOCYSTICA; GRUBER SYNDROME; Dysencephalia splachnocystica. Identifiers: Orphanet 564, MedGen C0265215, MONDO:0018921.

Allele frequency attached by ClinVar (database versions not stated): TOPMed below 0.00001.

Submissions (2):

Fulgent Genetics
Classification: Likely pathogenic for Meckel syndrome, type 6; Joubert syndrome 9; COACH syndrome 2; Retinitis pigmentosa 93. Last evaluated: 2024-05-17. Review status: criteria provided, single submitter. Criteria: ACMG Guidelines, 2015. Collection method: clinical testing. Allele origin: germline.

Labcorp Genetics (formerly Invitae), Labcorp
Classification: Likely pathogenic for Joubert syndrome; Meckel-Gruber syndrome. Last evaluated: 2023-12-12. Review status: criteria provided, single submitter. Criteria: Invitae Variant Classification Sherloc (09022015). Collection method: clinical testing. Allele origin: germline.
Comment: This sequence change affects a donor splice site in intron 13 of the CC2D2A gene. It is expected to disrupt RNA splicing. Variants that disrupt the donor or acceptor splice site typically lead to a loss of protein function (PMID: 16199547), and loss-of-function variants in CC2D2A are known to be pathogenic (PMID: 19777577). This variant is not present in population databases (gnomAD no frequency). This variant has not been reported in the literature in individuals affected with CC2D2A-related conditions. Algorithms developed to predict the effect of sequence changes on RNA splicing suggest that this variant may disrupt the consensus splice site. In summary, the currently available evidence indicates that the variant is pathogenic, but additional data are needed to prove that conclusively. Therefore, this variant has been classified as Likely Pathogenic.

Literature cited by the submitters: PubMed 16199547 (cited by Labcorp Genetics (formerly Invitae), Labcorp); PubMed 19777577 (cited by Labcorp Genetics (formerly Invitae), Labcorp).